The following is an entry in ClinVar:

NM_198576.4(AGRN):c.5200C>T (p.Arg1734Cys)

Genes: AGRN (agrin; plus strand), LOC129929078 (ATAC-STARR-seq lymphoblastoid silent region 24; plus strand). Cytogenetic location: 1p36.33.
Variant type: single nucleotide variant.
Coding change: c.5200C>T on transcript NM_198576.4 (MANE Select); coding-DNA position 5200, C replaced by T.
Protein change: p.Arg1734Cys; replaces arginine 1734 with cysteine.
Molecular consequence: missense variant.
Genome position (GRCh38, 1-based): chr1:1,050,784, C>T. VCF-style: chr1-1050784-C-T. GRCh37 (hg19) VCF-style: chr1-986164-C-T.
Other names: c.5200C>T, p.Arg1734Cys (NM_001305275.2); c.4885C>T, p.Arg1629Cys (NM_001364727.2); short protein forms R1629C, R1734C.
Identifiers: ClinVar variation 852563 (VCV000852563.9), dbSNP rs372565629, ClinGen allele CA509907.
Genomic context (GRCh38, chr1:1,050,784, plus strand): 5'-AGGAGCAGGGAGCCAGTCACCCTGGGAGCCTGGACCAGGGTCTCACTGGAGCGAAACGGC[C>T]GCAAGGGTGCCCTGCGTGTGGGCGACGGCCCCCGTGTGTTGGGGGAGTCCCCGGTGAGTG-3'
Protein context (NP_940978.2, residues 1724-1744): WTRVSLERNG[Arg1734Cys]KGALRVGDGP

ClinVar aggregate classification (germline): Uncertain significance. Review status: criteria provided, multiple submitters, no conflicts (2 of 4 stars). 2 submissions from 2 submitters: Uncertain significance (2). Last evaluated 2026-02-02.

Conditions:
Congenital myasthenic syndrome 8. Also called: Myasthenic syndrome, congenital, 8, with pre- and postsynaptic defects; MYASTHENIC SYNDROME, CONGENITAL, DUE TO AGRIN DEFICIENCY. Identifiers: Orphanet 590, MedGen C3808739, MONDO:0014052, OMIM 615120.
Inborn genetic diseases. Identifiers: MedGen C0950123, MeSH D030342.

Allele frequency attached by ClinVar (database versions not stated): gnomAD exomes 0.00002 and 0.00010; gnomAD 0.00003; ESP Exome Variant Server 0.00008; TOPMed 0.00009; ExAC 0.00016.
gnomAD v4.1: 37 of 1,601,462 alleles (0.0023%); highest among the groups gnomAD compares: Admixed American, 0.039%; no homozygotes.

Submissions (2):

Labcorp Genetics (formerly Invitae), Labcorp
Classification: Uncertain significance for Congenital myasthenic syndrome 8. Last evaluated: 2026-02-02. Review status: criteria provided, single submitter. Criteria: Invitae Variant Classification Sherloc (09022015). Collection method: clinical testing. Allele origin: germline.
Comment: This sequence change replaces arginine, which is basic and polar, with cysteine, which is neutral and slightly polar, at codon 1734 of the AGRN protein (p.Arg1734Cys). This variant is present in population databases (rs372565629, gnomAD 0.06%). This variant has not been reported in the literature in individuals affected with AGRN-related conditions. ClinVar contains an entry for this variant (Variation ID: 852563). An algorithm developed to predict the effect of missense changes on protein structure and function (PolyPhen-2) suggests that this variant is likely to be disruptive. In summary, the available evidence is currently insufficient to determine the role of this variant in disease. Therefore, it has been classified as a Variant of Uncertain Significance.

Ambry Genetics
Classification: Uncertain significance for Inborn genetic diseases. Last evaluated: 2024-02-27. Review status: criteria provided, single submitter. Criteria: Ambry Variant Classification Scheme 2023. Collection method: clinical testing. Allele origin: germline.